The following is an entry in ClinVar:

NM_004260.4(RECQL4):c.3189G>T (p.Glu1063Asp)

Gene: RECQL4 (RecQ like helicase 4; minus strand). Cytogenetic location: 8q24.3.
Variant type: single nucleotide variant.
Coding change: c.3189G>T on transcript NM_004260.4 (MANE Select); coding-DNA position 3189, G replaced by T.
Protein change: p.Glu1063Asp; replaces glutamic acid 1063 with aspartic acid.
Molecular consequence: missense variant.
Genome position (GRCh38, 1-based): chr8:144,512,191, C>A on the plus strand (G>T on the coding strand, the complement: RECQL4 is on the minus strand). VCF-style: chr8-144512191-C-A. GRCh37 (hg19) VCF-style: chr8-145737574-C-A.
Other names: short protein forms E1063D.
Identifiers: ClinVar variation 1480993 (VCV001480993.6), dbSNP rs1827364974, ClinGen allele CA372669958.
Genomic context (GRCh38, chr8:144,512,191, plus strand): 5'-GCCTCCTCCCAACCTGTGAAAGGCCTGGAAGGTTCTGCGCAGACGGGCCAGGGCCTGGCG[C>A]TCCCGGGCCTGCACACGGCCATAGAGGAAGTCACATATCTGGTCCTTCTCCTCAGCGGTC-3'
Protein context (NP_004251.4, residues 1053-1073): DFLYGRVQAR[Glu1063Asp]RQALARLRRT

ClinVar aggregate classification (germline): Uncertain significance (1 of 4 stars; one submission).

Conditions:
Baller-Gerold syndrome (BGS). Also called: CRANIOSYNOSTOSIS WITH RADIAL DEFECTS. Identifiers: Orphanet 1225, MedGen C0265308, MONDO:0009039, OMIM 218600.

Submission:

Labcorp Genetics (formerly Invitae), Labcorp
Classification: Uncertain significance for Baller-Gerold syndrome. Last evaluated: 2022-07-06. Review status: criteria provided, single submitter. Criteria: Invitae Variant Classification Sherloc (09022015). Collection method: clinical testing. Allele origin: germline.
Comment: This sequence change replaces glutamic acid, which is acidic and polar, with aspartic acid, which is acidic and polar, at codon 1063 of the RECQL4 protein (p.Glu1063Asp). This variant is not present in population databases (gnomAD no frequency). This variant has not been reported in the literature in individuals affected with RECQL4-related conditions. ClinVar contains an entry for this variant (Variation ID: 1480993). Experimental studies and prediction algorithms are not available or were not evaluated, and the functional significance of this variant is currently unknown. In summary, the available evidence is currently insufficient to determine the role of this variant in disease. Therefore, it has been classified as a Variant of Uncertain Significance.